The following is an entry in ClinVar:

ClinVar aggregate classification (germline): Uncertain significance. Review status: criteria provided, multiple submitters, no conflicts (2 of 4 stars). 2 submissions from 2 submitters: Uncertain significance (2). Last evaluated 2022-06-23.

Allele frequency attached by ClinVar (database versions not stated): gnomAD 0.00011; TOPMed 0.00015; 1000 Genomes Project 30x 0.00016; 1000 Genomes Project 0.00020; ESP Exome Variant Server 0.00031.
gnomAD v4.1: 449 of 1,613,882 alleles (0.028%); highest among the groups gnomAD compares: Non-Finnish European, 0.035%; no homozygotes.

Submissions (2):

Labcorp Genetics (formerly Invitae), Labcorp
Classification: Uncertain significance. Last evaluated: 2022-06-23. Review status: criteria provided, single submitter. Criteria: Invitae Variant Classification Sherloc (09022015). Collection method: clinical testing. Allele origin: germline.
Comment: This sequence change replaces glycine, which is neutral and non-polar, with arginine, which is basic and polar, at codon 1002 of the TMPRSS15 protein (p.Gly1002Arg). This variant is present in population databases (rs144640412, gnomAD 0.02%). This variant has not been reported in the literature in individuals affected with TMPRSS15-related conditions. Algorithms developed to predict the effect of missense changes on protein structure and function are either unavailable or do not agree on the potential impact of this missense change (SIFT: "Not Available"; PolyPhen-2: "Probably Damaging"; Align-GVGD: "Not Available"). In summary, the available evidence is currently insufficient to determine the role of this variant in disease. Therefore, it has been classified as a Variant of Uncertain Significance.

Ambry Genetics
Classification: Uncertain significance. Last evaluated: 2021-07-09. Review status: criteria provided, single submitter. Criteria: Ambry Variant Classification Scheme 2023. Collection method: clinical testing. Allele origin: germline.

NM_002772.3(TMPRSS15):c.3004G>A (p.Gly1002Arg)

Gene: TMPRSS15 (transmembrane serine protease 15; minus strand). Cytogenetic location: 21q21.1.
Variant type: single nucleotide variant.
Coding change: c.3004G>A on transcript NM_002772.3 (MANE Select); coding-DNA position 3004, G replaced by A.
Protein change: p.Gly1002Arg; replaces glycine 1002 with arginine.
Molecular consequence: missense variant.
Genome position (GRCh38, 1-based): chr21:18,270,025, C>T on the plus strand (G>A on the coding strand, the complement: TMPRSS15 is on the minus strand). VCF-style: chr21-18270025-C-T. GRCh37 (hg19) VCF-style: chr21-19642342-C-T.
Other names: short protein forms G1002R.
Identifiers: ClinVar variation 2076344 (VCV002076344.2), dbSNP rs144640412, ClinGen allele CA9983839.